The following is an entry in ClinVar:

NM_004750.5(CRLF1):c.676dup (p.Thr226fs)

Gene: CRLF1 (cytokine receptor like factor 1; minus strand). Cytogenetic location: 19p13.11.
Variant type: Duplication.
Coding change: c.676dup on transcript NM_004750.5 (MANE Select); coding-DNA position 676, one base duplicated (A; older notation c.676dupA).
Protein change: p.Thr226fs; shifts the reading frame from threonine 226.
Molecular consequence: frameshift variant.
Genome position (GRCh38, 1-based): chr19:18,598,453, T duplicated on the plus strand (A on the coding strand, the reverse complement: CRLF1 is on the minus strand). VCF-style (leftmost placement, unchanged base first): chr19-18598452-G-GT. GRCh37 (hg19) VCF-style: chr19-18709262-G-GT.
Other names: c.676dupA (NM_004750.5); short protein forms T226fs.
Identifiers: ClinVar variation 5707 (VCV000005707.4), dbSNP rs761746361, ClinGen allele CA9314159.

ClinVar aggregate classification (germline): Pathogenic. Review status: criteria provided, single submitter (1 of 4 stars). 3 submissions from 3 submitters: Pathogenic (1). 2 of the submissions do not count toward it. Last evaluated 2024-01-05.

Conditions:
Cold-induced sweating syndrome 1 (CISS1). Also called: MUSCLE CONTRACTIONS, TETANOFORM, WITH CHARACTERISTIC FACE, CAMPTODACTYLY, HYPERTHERMIA, AND SUDDEN DEATH; CRLF1-Related Cold-Induced Sweating Syndrome including Crisponi Syndrome; Crisponi syndrome; CRISPONI/COLD-INDUCED SWEATING SYNDROME 1. Identifiers: Orphanet 1545, Orphanet 157820, MedGen C1848947, MONDO:0010091, OMIM 272430.

Allele frequency attached by ClinVar (database versions not stated): gnomAD exomes below 0.00001 and 0.00002; gnomAD 0.00001; TOPMed 0.00001; ExAC 0.00002.

Submissions (3):

Fulgent Genetics
Classification: Pathogenic for Cold-induced sweating syndrome 1. Last evaluated: 2024-01-05. Review status: criteria provided, single submitter. Criteria: ACMG Guidelines, 2015. Collection method: clinical testing. Allele origin: germline.

OMIM
Classification: Pathogenic for CRISPONI/COLD-INDUCED SWEATING SYNDROME 1. Last evaluated: 2007-05-01. Review status: no assertion criteria provided. Collection method: literature only. Allele origin: germline. Not counted in ClinVar's aggregate classification.

GeneReviews
No classification provided. Condition: Cold-induced sweating syndrome 1. Review status: no classification provided. Collection method: literature only. Allele origin: germline. Not counted in ClinVar's aggregate classification.
Comment: Founder variant in Sardinia, the variants c.226T>G and c.676dupA together are the most common in Sardinia, with a joint carrier frequency of 1.4%.

Literature cited by the submitters: PubMed 17436251 (cited by OMIM); PubMed 17436252 (cited by OMIM); PubMed 8723066 (cited by OMIM); PubMed 24488861 (cited by GeneReviews); PubMed 21370513 (cited by GeneReviews).